The following is an entry in ClinVar:

ClinVar aggregate classification (germline): Likely benign (1 of 4 stars; one submission).

gnomAD v4.1: 66 of 1,584,188 alleles (0.0042%); highest among the groups gnomAD compares: East Asian, 0.056%; no homozygotes.

Submission:

CeGaT Center for Human Genetics Tuebingen
Classification: Likely benign. Last evaluated: 2025-12-01. Review status: criteria provided, single submitter. Criteria: CeGaT Center For Human Genetics Tuebingen Variant Classification Criteria Version 2. Collection method: clinical testing. Allele origin: germline. Affected: yes. Observed: 1 variant allele.
Comment: SMG8: BP4, BP7

NM_018149.7(SMG8):c.48C>G (p.Ala16=)

Gene: SMG8 (SMG8 nonsense mediated mRNA decay factor; plus strand). Cytogenetic location: 17q22.
Variant type: single nucleotide variant.
Coding change: c.48C>G on transcript NM_018149.7 (MANE Select); coding-DNA position 48, C replaced by G.
Protein change: p.Ala16=; no amino-acid change (alanine 16 retained).
Molecular consequence: synonymous variant.
Genome position (GRCh38, 1-based): chr17:59,210,099, C>G. VCF-style: chr17-59210099-C-G. GRCh37 (hg19) VCF-style: chr17-57287460-C-G.
Identifiers: ClinVar variation 4681613 (VCV004681613.5).
Genomic context (GRCh38, chr17:59,210,099, plus strand): 5'-AACGCTCTGCACTATGGCTGGTCCCGTGAGCTTGCGAGACCTTCTAATGGGAGCATCAGC[C>G]TGGATGGGCTCTGAAAGTCCCGGAGGGTCCCCTACTGAGGGCGGAGGGAGCGCGGCTGGC-3'
Protein context (NP_060619.4, residues 6-26): SLRDLLMGAS[Ala16=]WMGSESPGGS